The following is an entry in ClinVar:

ClinVar aggregate classification (germline): Uncertain significance. Review status: criteria provided, multiple submitters, no conflicts (2 of 4 stars). 3 submissions from 3 submitters: Uncertain significance (3). Last evaluated 2023-08-10.

Conditions:
Retinitis pigmentosa 80 (RP80). Identifiers: MedGen C4540439, MONDO:0054708, OMIM 617781.
Saldino-Mainzer syndrome (SRTD9). Also called: CONORENAL SYNDROME; short-rib thoracic dysplasia 9 with or without polydactyly; SHORT-RIB THORACIC DYSPLASIA 9 WITHOUT POLYDACTYLY; Renal dysplasia, retinal pigmentary dystrophy, cerebellar ataxia and skeletal dysplasia. Identifiers: Orphanet 140969, MedGen C1849437, MONDO:0009964, OMIM 266920.

Allele frequency attached by ClinVar (database versions not stated): ExAC 0.00001; gnomAD exomes 0.00002; gnomAD 0.00006.
gnomAD v4.1: 28 of 1,603,734 alleles (0.0017%); highest among the groups gnomAD compares: Non-Finnish European, 0.0006%; no homozygotes.

Submissions (3):

Blueprint Genetics
Classification: Uncertain significance. Last evaluated: 2023-08-10. Review status: criteria provided, single submitter. Criteria: ACMG Guidelines, 2015. Collection method: clinical testing. Allele origin: germline.

Fulgent Genetics
Classification: Uncertain significance for Saldino-Mainzer syndrome; Retinitis pigmentosa 80. Last evaluated: 2022-05-04. Review status: criteria provided, single submitter. Criteria: ACMG Guidelines, 2015. Collection method: clinical testing. Allele origin: unknown.

Labcorp Genetics (formerly Invitae), Labcorp
Classification: Uncertain significance for Saldino-Mainzer syndrome. Last evaluated: 2022-02-09. Review status: criteria provided, single submitter. Criteria: Invitae Variant Classification Sherloc (09022015). Collection method: clinical testing. Allele origin: germline.
Comment: This variant is present in population databases (rs781160807, gnomAD 0.03%). This sequence change replaces glycine, which is neutral and non-polar, with aspartic acid, which is acidic and polar, at codon 387 of the IFT140 protein (p.Gly387Asp). This variant has not been reported in the literature in individuals affected with IFT140-related conditions. Algorithms developed to predict the effect of missense changes on protein structure and function are either unavailable or do not agree on the potential impact of this missense change (SIFT: "Deleterious"; PolyPhen-2: "Possibly Damaging"; Align-GVGD: "Class C15"). In summary, the available evidence is currently insufficient to determine the role of this variant in disease. Therefore, it has been classified as a Variant of Uncertain Significance.

NM_014714.4(IFT140):c.1160G>A (p.Gly387Asp)

Genes: IFT140 (intraflagellar transport 140; minus strand), LOC105371046 (uncharacterized LOC105371046; plus strand). Cytogenetic location: 16p13.3.
Variant type: single nucleotide variant.
Coding change: c.1160G>A on transcript NM_014714.4 (MANE Select); coding-DNA position 1160, G replaced by A.
Protein change: p.Gly387Asp; replaces glycine 387 with aspartic acid.
Molecular consequence: missense variant.
Genome position (GRCh38, 1-based): chr16:1,584,416, C>T on the plus strand (G>A on the coding strand, the complement: IFT140 is on the minus strand). VCF-style: chr16-1584416-C-T. GRCh37 (hg19) VCF-style: chr16-1634417-C-T.
Other names: short protein forms G387D.
Identifiers: ClinVar variation 1375667 (VCV001375667.8), dbSNP rs781160807, ClinGen allele CA7814406.